The following is an entry in ClinVar:

NM_000451.4(SHOX):c.728C>T (p.Pro243Leu)

Gene: SHOX (SHOX homeobox; plus strand). Cytogenetic location: Xp22.33.
Variant type: single nucleotide variant.
Coding change: c.728C>T on transcript NM_000451.4 (MANE Select); coding-DNA position 728, C replaced by T.
Protein change: p.Pro243Leu; replaces proline 243 with leucine.
Molecular consequence: missense variant. On other transcripts: intron variant (1).
Genome position (GRCh38, 1-based): chrX:644,485, C>T. VCF-style: chrX-644485-C-T. GRCh37 (hg19) VCF-style: chrX-605220-C-T.
Other names: c.633+3398C>T (NM_006883.2); short protein forms P243L.
Identifiers: ClinVar variation 3768298 (VCV003768298.1).

ClinVar aggregate classification (germline): Uncertain significance (1 of 4 stars; one submission).

gnomAD v4.1: 7 of 1,523,258 alleles (0.00046%); highest among the groups gnomAD compares: Admixed American, 0.01%; no homozygotes.

Submission:

Women's Health and Genetics/Laboratory Corporation of America, LabCorp
Classification: Uncertain significance. Last evaluated: 2024-12-03. Review status: criteria provided, single submitter. Criteria: LabCorp Variant Classification Summary - May 2015. Collection method: clinical testing. Allele origin: germline.
Comment: Variant summary: SHOX c.728C>T (p.Pro243Leu) results in a non-conservative amino acid change in the encoded protein sequence. Four of five in-silico tools predict a damaging effect of the variant on protein function. The variant allele was found at a frequency of 1.7e-05 in 120460 control chromosomes. The available data on variant occurrences in the general population are insufficient to allow any conclusion about variant significance. To our knowledge, no occurrence of c.728C>T in individuals affected with Langer Mesomelic Dysplasia and no experimental evidence demonstrating its impact on protein function have been reported. No submitters have cited clinical-significance assessments for this variant to ClinVar. Based on the evidence outlined above, the variant was classified as uncertain significance.